The following is an entry in ClinVar:

NM_015189.3(EXOC6B):c.1903G>T (p.Gly635Cys)

Gene: EXOC6B (exocyst complex component 6B; minus strand). Cytogenetic location: 2p13.2.
Variant type: single nucleotide variant.
Coding change: c.1903G>T on transcript NM_015189.3 (MANE Select); coding-DNA position 1903, G replaced by T.
Protein change: p.Gly635Cys; replaces glycine 635 with cysteine.
Molecular consequence: missense variant. On other transcripts: non-coding transcript variant (1).
Genome position (GRCh38, 1-based): chr2:72,465,237, C>A on the plus strand (G>T on the coding strand, the complement: EXOC6B is on the minus strand). VCF-style: chr2-72465237-C-A. GRCh37 (hg19) VCF-style: chr2-72692366-C-A.
Other names: c.1903G>T, p.Gly635Cys (NM_001321729.2, NM_001321731.2); c.1768G>T, p.Gly590Cys (NM_001321730.2, NM_001321733.2); c.1564G>T, p.Gly522Cys (NM_001321734.2); short protein forms G522C, G635C, G590C.
Identifiers: ClinVar variation 2116580 (VCV002116580.4), dbSNP rs1558694827, ClinGen allele CA347430422.

ClinVar aggregate classification (germline): Uncertain significance (1 of 4 stars; one submission).

Submission:

Labcorp Genetics (formerly Invitae), Labcorp
Classification: Uncertain significance. Last evaluated: 2024-05-21. Review status: criteria provided, single submitter. Criteria: Invitae Variant Classification Sherloc (09022015). Collection method: clinical testing. Allele origin: germline.
Comment: This sequence change replaces glycine, which is neutral and non-polar, with cysteine, which is neutral and slightly polar, at codon 635 of the EXOC6B protein (p.Gly635Cys). This variant is not present in population databases (gnomAD no frequency). This variant has not been reported in the literature in individuals affected with EXOC6B-related conditions. Experimental studies and prediction algorithms are not available or were not evaluated, and the functional significance of this variant is currently unknown. In summary, the available evidence is currently insufficient to determine the role of this variant in disease. Therefore, it has been classified as a Variant of Uncertain Significance.